The following is an entry in ClinVar:

NM_001297.5(CNGB1):c.1045C>T (p.Arg349Trp)

Gene: CNGB1 (cyclic nucleotide gated channel subunit beta 1; minus strand). Cytogenetic location: 16q21.
Variant type: single nucleotide variant.
Coding change: c.1045C>T on transcript NM_001297.5 (MANE Select); coding-DNA position 1045, C replaced by T.
Protein change: p.Arg349Trp; replaces arginine 349 with tryptophan.
Molecular consequence: missense variant.
Genome position (GRCh38, 1-based): chr16:57,949,429, G>A on the plus strand (C>T on the coding strand, the complement: CNGB1 is on the minus strand). VCF-style: chr16-57949429-G-A. GRCh37 (hg19) VCF-style: chr16-57983333-G-A.
Other names: c.1027C>T, p.Arg343Trp (NM_001286130.2); short protein forms R343W, R349W.
Identifiers: ClinVar variation 1480811 (VCV001480811.5), dbSNP rs772092052, ClinGen allele CA8083577.

ClinVar aggregate classification (germline): Uncertain significance (1 of 4 stars; one submission).

Allele frequency attached by ClinVar (database versions not stated): gnomAD 0.00001 and 0.00002; gnomAD exomes 0.00001; ExAC 0.00002.

Submission:

Labcorp Genetics (formerly Invitae), Labcorp
Classification: Uncertain significance. Last evaluated: 2024-02-24. Review status: criteria provided, single submitter. Criteria: Invitae Variant Classification Sherloc (09022015). Collection method: clinical testing. Allele origin: germline.
Comment: This sequence change replaces arginine, which is basic and polar, with tryptophan, which is neutral and slightly polar, at codon 349 of the CNGB1 protein (p.Arg349Trp). This variant is present in population databases (rs772092052, gnomAD 0.006%). This variant has not been reported in the literature in individuals affected with CNGB1-related conditions. ClinVar contains an entry for this variant (Variation ID: 1480811). Advanced modeling of protein sequence and biophysical properties (such as structural, functional, and spatial information, amino acid conservation, physicochemical variation, residue mobility, and thermodynamic stability) performed at Invitae indicates that this missense variant is not expected to disrupt CNGB1 protein function with a negative predictive value of 95%. In summary, the available evidence is currently insufficient to determine the role of this variant in disease. Therefore, it has been classified as a Variant of Uncertain Significance.